The following is an entry in ClinVar:

NM_018489.3(ASH1L):c.541G>C (p.Val181Leu)

Gene: ASH1L (ASH1 like histone lysine methyltransferase; minus strand). Cytogenetic location: 1q22.
Variant type: single nucleotide variant.
Coding change: c.541G>C on transcript NM_018489.3 (MANE Select); coding-DNA position 541, G replaced by C.
Protein change: p.Val181Leu; replaces valine 181 with leucine.
Molecular consequence: missense variant.
Genome position (GRCh38, 1-based): chr1:155,482,329, C>G on the plus strand (G>C on the coding strand, the complement: ASH1L is on the minus strand). VCF-style: chr1-155482329-C-G. GRCh37 (hg19) VCF-style: chr1-155452120-C-G.
Other names: c.541G>C, p.Val181Leu (NM_001366177.2); short protein forms V181L.
Identifiers: ClinVar variation 2262900 (VCV002262900.2), dbSNP rs1304052162, ClinGen allele CA342745425.

ClinVar aggregate classification (germline): Uncertain significance (1 of 4 stars; one submission).

Conditions:
Inborn genetic diseases. Identifiers: MedGen C0950123, MeSH D030342.

Allele frequency attached by ClinVar (database versions not stated): gnomAD exomes below 0.00001.
gnomAD v4.1: 1 of 1,614,148 alleles (0.000062%); highest among the groups gnomAD compares: South Asian, 0.0011%; no homozygotes.

Submission:

Ambry Genetics
Classification: Uncertain significance for Inborn genetic diseases. Last evaluated: 2021-12-09. Review status: criteria provided, single submitter. Criteria: Ambry Variant Classification Scheme 2023. Collection method: clinical testing. Allele origin: germline.
Comment: The c.541G>C (p.V181L) alteration is located in exon 3 (coding exon 2) of the ASH1L gene. This alteration results from a G to C substitution at nucleotide position 541, causing the valine (V) at amino acid position 181 to be replaced by a leucine (L). This allele was reported in one heterozygous individual in population-based cohorts in the Genome Aggregation Database (gnomAD). This amino acid position is not well conserved in available vertebrate species. This alteration is predicted to be tolerated by in silico analysis. Based on insufficient or conflicting evidence, the clinical significance of this alteration remains unclear.